The following is an entry in ClinVar:

ClinVar aggregate classification (germline): Likely benign (1 of 4 stars; one submission).

Allele frequency attached by ClinVar (database versions not stated): gnomAD exomes 0.00059; 1000 Genomes Project 30x 0.00359; 1000 Genomes Project 0.00419; TOPMed 0.00463.
gnomAD v4.1: 1,551 of 1,612,492 alleles (0.096%); highest among the groups gnomAD compares: African/African-American, 1.5%; 12 homozygotes.

Submission:

GeneDx
Classification: Likely benign. Last evaluated: 2018-06-14. Review status: criteria provided, single submitter. Criteria: GeneDx Variant Classification (06012015). Collection method: clinical testing. Allele origin: germline. Affected: yes.
Comment: This variant is considered likely benign or benign based on one or more of the following criteria: it is a conservative change, it occurs at a poorly conserved position in the protein, it is predicted to be benign by multiple in silico algorithms, and/or has population frequency not consistent with disease.

NM_000548.5(TSC2):c.2640-74G>A

Gene: TSC2 (TSC complex subunit 2; plus strand). Cytogenetic location: 16p13.3.
Variant type: single nucleotide variant.
Coding change: c.2640-74G>A on transcript NM_000548.5 (MANE Select); 74 bases into the intron before coding-DNA position 2640, G replaced by A.
Molecular consequence: intron variant.
Genome position (GRCh38, 1-based): chr16:2,075,994, G>A. VCF-style: chr16-2075994-G-A. GRCh37 (hg19) VCF-style: chr16-2125995-G-A.
Other names: c.2640-74G>A (NM_001114382.3, NM_021055.3, NM_001370405.1 and 3 more transcripts); c.2529-74G>A (NM_001318827.2); c.2040-74G>A (NM_001318831.2); c.2493-74G>A (NM_001318829.2); c.2673-74G>A (NM_001318832.2).
Identifiers: ClinVar variation 673262 (VCV000673262.1), dbSNP rs143128054, ClinGen allele CA276741630.